The following is an entry in ClinVar:

NM_022765.4(MICAL1):c.1547G>A (p.Arg516His)

Gene: MICAL1 (microtubule associated monooxygenase, calponin and LIM domain containing 1; minus strand). Cytogenetic location: 6q21.
Variant type: single nucleotide variant.
Coding change: c.1547G>A on transcript NM_022765.4 (MANE Select); coding-DNA position 1547, G replaced by A.
Protein change: p.Arg516His; replaces arginine 516 with histidine.
Molecular consequence: missense variant.
Genome position (GRCh38, 1-based): chr6:109,448,849, C>T on the plus strand (G>A on the coding strand, the complement: MICAL1 is on the minus strand). VCF-style: chr6-109448849-C-T. GRCh37 (hg19) VCF-style: chr6-109770052-C-T.
Other names: c.1289G>A, p.Arg430His (NM_001159291.2); c.1604G>A, p.Arg535His (NM_001286613.2); c.1547G>A (NM_022765.3); short protein forms R516H, R430H, R535H.
Identifiers: ClinVar variation 1512037 (VCV001512037.8), dbSNP rs139689509, ClinGen allele CA3953303.

ClinVar aggregate classification (germline): Uncertain significance. Review status: criteria provided, multiple submitters, no conflicts (2 of 4 stars). 3 submissions from 3 submitters: Uncertain significance (3). Last evaluated 2025-11-13.

Allele frequency attached by ClinVar (database versions not stated): gnomAD exomes 0.00002; TOPMed 0.00002; ExAC 0.00003; ESP Exome Variant Server 0.00015.
gnomAD v4.1: 10 of 1,613,908 alleles (0.00062%); highest among the groups gnomAD compares: East Asian, 0.0022%; no homozygotes.

Submissions (3):

Ambry Genetics
Classification: Uncertain significance. Last evaluated: 2025-11-13. Review status: criteria provided, single submitter. Criteria: Ambry Variant Classification Scheme 2023. Collection method: clinical testing. Allele origin: germline.

Labcorp Genetics (formerly Invitae), Labcorp
Classification: Uncertain significance. Last evaluated: 2025-02-12. Review status: criteria provided, single submitter. Criteria: Invitae Variant Classification Sherloc (09022015). Collection method: clinical testing. Allele origin: germline.
Comment: This sequence change replaces arginine, which is basic and polar, with histidine, which is basic and polar, at codon 535 of the MICAL1 protein (p.Arg535His). This variant is present in population databases (rs139689509, gnomAD 0.006%). This variant has not been reported in the literature in individuals affected with MICAL1-related conditions. ClinVar contains an entry for this variant (Variation ID: 1512037). An algorithm developed to predict the effect of missense changes on protein structure and function outputs the following: PolyPhen-2: "Benign". The histidine amino acid residue is found in multiple mammalian species, which suggests that this missense change does not adversely affect protein function. In summary, the available evidence is currently insufficient to determine the role of this variant in disease. Therefore, it has been classified as a Variant of Uncertain Significance.

Breakthrough Genomics
Classification: Uncertain significance. Review status: criteria provided, single submitter. Criteria: ACMG Guidelines, 2015. Collection method: not provided. Allele origin: germline. Inheritance: Unknown mechanism. Affected: yes.